The following is an entry in ClinVar:

ClinVar aggregate classification (germline): Likely pathogenic (1 of 4 stars; one submission).

Allele frequency attached by ClinVar (database versions not stated): gnomAD exomes below 0.00001.
gnomAD v4.1: 1 of 1,613,866 alleles (0.000062%); highest among the groups gnomAD compares: Non-Finnish European, 0.000085%; no homozygotes.

Submission:

GeneDx
Classification: Likely pathogenic. Last evaluated: 2023-02-08. Review status: criteria provided, single submitter. Criteria: GeneDx Variant Classification Process June 2021. Collection method: clinical testing. Allele origin: germline. Affected: yes.
Comment: Nonsense variant predicted to result in protein truncation as the last 39 amino acids are lost, although loss-of-function variants have not been reported downstream of this position in the protein; Not observed at significant frequency in large population cohorts (gnomAD); This variant is associated with the following publications: (PMID: 30729048, 23595086)

NM_001232.4(CASQ2):c.1083G>A (p.Trp361Ter)

Gene: CASQ2 (calsequestrin 2; minus strand). Cytogenetic location: 1p13.1.
Variant type: single nucleotide variant.
Coding change: c.1083G>A on transcript NM_001232.4 (MANE Select); coding-DNA position 1083, G replaced by A.
Protein change: p.Trp361Ter; replaces tryptophan 361 with a stop codon.
Molecular consequence: nonsense.
Genome position (GRCh38, 1-based): chr1:115,701,358, C>T on the plus strand (G>A on the coding strand, the complement: CASQ2 is on the minus strand). VCF-style: chr1-115701358-C-T. GRCh37 (hg19) VCF-style: chr1-116243979-C-T.
Other names: short protein forms W361*.
Identifiers: ClinVar variation 2574853 (VCV002574853.1), dbSNP rs1654199242, ClinGen allele CA341766400.